The following is an entry in ClinVar:

ClinVar aggregate classification (germline): Uncertain significance (1 of 4 stars; one submission).

gnomAD v4.1: 1 of 1,614,116 alleles (0.000062%); highest among the groups gnomAD compares: Non-Finnish European, 0.000085%; no homozygotes.

Submission:

Labcorp Genetics (formerly Invitae), Labcorp
Classification: Uncertain significance. Last evaluated: 2024-04-07. Review status: criteria provided, single submitter. Criteria: Invitae Variant Classification Sherloc (09022015). Collection method: clinical testing. Allele origin: germline.
Comment: This sequence change replaces histidine, which is basic and polar, with asparagine, which is neutral and polar, at codon 186 of the SIAE protein (p.His186Asn). This variant is present in population databases (rs764037284, gnomAD 0.0009%). This variant has not been reported in the literature in individuals affected with SIAE-related conditions. Algorithms developed to predict the effect of missense changes on protein structure and function output the following: SIFT: "Not Available"; PolyPhen-2: "Benign"; Align-GVGD: "Not Available". The asparagine amino acid residue is found in multiple mammalian species, which suggests that this missense change does not adversely affect protein function. In summary, the available evidence is currently insufficient to determine the role of this variant in disease. Therefore, it has been classified as a Variant of Uncertain Significance.

NM_170601.5(SIAE):c.556C>A (p.His186Asn)

Gene: SIAE (sialic acid acetylesterase; minus strand). Cytogenetic location: 11q24.2.
Variant type: single nucleotide variant.
Coding change: c.556C>A on transcript NM_170601.5 (MANE Select); coding-DNA position 556, C replaced by A.
Protein change: p.His186Asn; replaces histidine 186 with asparagine.
Molecular consequence: missense variant.
Genome position (GRCh38, 1-based): chr11:124,649,785, G>T on the plus strand (C>A on the coding strand, the complement: SIAE is on the minus strand). VCF-style: chr11-124649785-G-T. GRCh37 (hg19) VCF-style: chr11-124519681-G-T.
Other names: c.451C>A, p.His151Asn (NM_001199922.2); short protein forms H186N, H151N.
Identifiers: ClinVar variation 3649079 (VCV003649079.2).